The following is an entry in ClinVar:

NM_003283.6(TNNT1):c.78del (p.Glu27fs)

Gene: TNNT1 (troponin T1, slow skeletal type; minus strand). Cytogenetic location: 19q13.42.
Variant type: Deletion.
Coding change: c.78del on transcript NM_003283.6 (MANE Select); coding-DNA position 78, one base deleted (C; older notation c.78delC).
Protein change: p.Glu27fs; shifts the reading frame from glutamic acid 27.
Molecular consequence: frameshift variant. On other transcripts: intron variant (2).
Genome position (GRCh38, 1-based): chr19:55,146,462, G deleted on the plus strand (C on the coding strand, the reverse complement: TNNT1 is on the minus strand); the first of 5 consecutive G bases (chr19:55,146,462-55,146,466); deleting any one gives the same sequence. VCF-style (leftmost placement, unchanged base first): chr19-55146461-CG-C. GRCh37 (hg19) VCF-style: chr19-55657829-CG-C.
Other names: c.78del, p.Glu27fs (NM_001126132.3); c.73+219del (NM_001126133.3, NM_001291774.2); short protein forms E27fs.
Identifiers: ClinVar variation 1452357 (VCV001452357.6), dbSNP rs1224321111, ClinGen allele CA633867475.

ClinVar aggregate classification (germline): Pathogenic (1 of 4 stars; one submission).

Conditions:
Nemaline myopathy 5 (NEM5A). Also called: NEMALINE MYOPATHY 5A, AUTOSOMAL RECESSIVE, SEVERE INFANTILE; Nemaline myopathy 5, Amish type; NEMALINE MYOPATHY, AMISH TYPE. Identifiers: Orphanet 98902, MedGen C1854380, MONDO:0011539, OMIM 605355.

Submission:

Labcorp Genetics (formerly Invitae), Labcorp
Classification: Pathogenic for Nemaline myopathy 5. Last evaluated: 2021-12-21. Review status: criteria provided, single submitter. Criteria: Invitae Variant Classification Sherloc (09022015). Collection method: clinical testing. Allele origin: germline.
Comment: For these reasons, this variant has been classified as Pathogenic. This variant has not been reported in the literature in individuals affected with TNNT1-related conditions. The frequency data for this variant in the population databases is considered unreliable, as metrics indicate poor data quality at this position in the gnomAD database. This sequence change creates a premature translational stop signal (p.Glu27Lysfs*24) in the TNNT1 gene. It is expected to result in an absent or disrupted protein product. Loss-of-function variants in TNNT1 are known to be pathogenic (PMID: 10952871, 24689076, 25430424).

Literature cited by the submitters: PubMed 10952871; PubMed 24689076; PubMed 25430424.